The following is an entry in ClinVar:

ClinVar aggregate classification (germline): Uncertain significance (1 of 4 stars; one submission).

Conditions:
Nephronophthisis-like nephropathy 1 (NPHPL1). Identifiers: Orphanet 655, MedGen C3150419, MONDO:0013163, OMIM 613159.

gnomAD v4.1: 2 of 1,614,110 alleles (0.00012%); highest among the groups gnomAD compares: Non-Finnish European, 0.00017%; no homozygotes.

Submission:

Labcorp Genetics (formerly Invitae), Labcorp
Classification: Uncertain significance for Nephronophthisis-like nephropathy 1. Last evaluated: 2024-11-11. Review status: criteria provided, single submitter. Criteria: Invitae Variant Classification Sherloc (09022015). Collection method: clinical testing. Allele origin: germline.
Comment: This sequence change replaces histidine, which is basic and polar, with proline, which is neutral and non-polar, at codon 147 of the XPNPEP3 protein (p.His147Pro). This variant is not present in population databases (gnomAD no frequency). This variant has not been reported in the literature in individuals affected with XPNPEP3-related conditions. ClinVar contains an entry for this variant (Variation ID: 1978421). Invitae Evidence Modeling of protein sequence and biophysical properties (such as structural, functional, and spatial information, amino acid conservation, physicochemical variation, residue mobility, and thermodynamic stability) indicates that this missense variant is not expected to disrupt XPNPEP3 protein function with a negative predictive value of 80%. In summary, the available evidence is currently insufficient to determine the role of this variant in disease. Therefore, it has been classified as a Variant of Uncertain Significance.

NM_022098.4(XPNPEP3):c.440A>C (p.His147Pro)

Gene: XPNPEP3 (X-prolyl aminopeptidase 3; plus strand). Cytogenetic location: 22q13.2.
Variant type: single nucleotide variant.
Coding change: c.440A>C on transcript NM_022098.4 (MANE Select); coding-DNA position 440, A replaced by C.
Protein change: p.His147Pro; replaces histidine 147 with proline.
Molecular consequence: missense variant.
Genome position (GRCh38, 1-based): chr22:40,882,028, A>C. VCF-style: chr22-40882028-A-C. GRCh37 (hg19) VCF-style: chr22-41278032-A-C.
Other names: short protein forms H147P.
Identifiers: ClinVar variation 1978421 (VCV001978421.4), dbSNP rs2517969617, ClinGen allele CA411677177.